The following is an entry in ClinVar:

ClinVar aggregate classification (germline): Conflicting classifications of pathogenicity. Review status: criteria provided, conflicting classifications (1 of 4 stars). 5 submissions from 5 submitters: Uncertain significance (1); Benign (1); Likely benign (2). 1 of the submissions does not count toward it. Last evaluated 2026-01-22.

Allele frequency attached by ClinVar (database versions not stated): 1000 Genomes Project 0.00120; 1000 Genomes Project 30x 0.00125; gnomAD 0.00127; TOPMed 0.00147; ESP Exome Variant Server 0.00169.
gnomAD v4.1: 3,122 of 1,613,936 alleles (0.19%); highest among the groups gnomAD compares: Non-Finnish European, 0.24%; 7 homozygotes.

Submissions (5):

Labcorp Genetics (formerly Invitae), Labcorp
Classification: Benign. Last evaluated: 2026-01-22. Review status: criteria provided, single submitter. Criteria: Invitae Variant Classification Sherloc (09022015). Collection method: clinical testing. Allele origin: germline.

CeGaT Center for Human Genetics Tuebingen
Classification: Likely benign. Last evaluated: 2025-03-01. Review status: criteria provided, single submitter. Criteria: CeGaT Center For Human Genetics Tuebingen Variant Classification Criteria Version 2. Collection method: clinical testing. Allele origin: germline. Affected: yes. Observed: 1 variant allele.
Comment: GRM6: BP4, BP7

Blueprint Genetics
Classification: Likely benign. Last evaluated: 2024-11-25. Review status: criteria provided, single submitter. Criteria: ACMG Guidelines, 2015. Collection method: clinical testing. Allele origin: germline.

Eurofins Ntd Llc (ga)
Classification: Uncertain significance. Last evaluated: 2014-12-19. Review status: criteria provided, single submitter. Criteria: EGL Classification Definitions 2015. Collection method: clinical testing. Allele origin: germline. Observed: 1 variant allele, 1 heterozygote.

Retina International
No classification provided. Review status: no classification provided. Collection method: not provided. Allele origin: unknown. Not counted in ClinVar's aggregate classification.

NM_000843.4(GRM6):c.1944G>T (p.Ala648=)

Genes: GRM6 (glutamate metabotropic receptor 6; minus strand), ZNF454 (zinc finger protein 454; plus strand). Cytogenetic location: 5q35.3.
Variant type: single nucleotide variant.
Coding change: c.1944G>T on transcript NM_000843.4 (MANE Select); coding-DNA position 1944, G replaced by T.
Protein change: p.Ala648=; no amino-acid change (alanine 648 retained).
Molecular consequence: synonymous variant.
Genome position (GRCh38, 1-based): chr5:178,986,310, C>A on the plus strand (G>T on the coding strand, the complement: GRM6 is on the minus strand). VCF-style: chr5-178986310-C-A. GRCh37 (hg19) VCF-style: chr5-178413311-C-A.
Identifiers: ClinVar variation 99637 (VCV000099637.24), dbSNP rs62638619, ClinGen allele CA227661.